The following is an entry in ClinVar:

NM_001368894.2(PAX6):c.88G>A (p.Val30Ile)

Gene: PAX6 (paired box 6; minus strand). Cytogenetic location: 11p13.
Variant type: single nucleotide variant.
Coding change: c.88G>A on transcript NM_001368894.2 (MANE Select); coding-DNA position 88, G replaced by A.
Protein change: p.Val30Ile; replaces valine 30 with isoleucine.
Molecular consequence: missense variant. On other transcripts: 5 prime UTR variant (12), non-coding transcript variant (2), intron variant (2).
Genome position (GRCh38, 1-based): chr11:31,802,757, C>T on the plus strand (G>A on the coding strand, the complement: PAX6 is on the minus strand). VCF-style: chr11-31802757-C-T. GRCh37 (hg19) VCF-style: chr11-31824305-C-T.
Other names: c.88G>A, p.Val30Ile (NM_000280.6, NM_001127612.3, NM_001258462.3 and 30 more transcripts); c.-694G>A (NM_001310160.2, NM_001368905.2); c.-363G>A (NM_001310161.3, NM_001368900.2, NM_001368903.2 and 2 more transcripts); c.-321G>A (NM_001368899.2, NM_001368901.2, NM_001368906.2 and 1 more transcripts); c.-652G>A (NM_001368902.2); c.331G>A, p.Val111Ile (NM_001368910.2); c.91G>A, p.Val31Ile (NM_001368911.2); c.-267-981G>A (NM_001368909.2, NM_001368904.2); short protein forms V111I, V31I, V30I.
Identifiers: ClinVar variation 2190352 (VCV002190352.4), dbSNP rs768554144, ClinGen allele CA5933975.

ClinVar aggregate classification (germline): Uncertain significance (1 of 4 stars; one submission).

Conditions:
Aniridia 1 (AN1). Identifiers: Orphanet 250923, MedGen C0344542, MONDO:0024507, OMIM 106210.
Irido-corneo-trabecular dysgenesis (ASGD5). Also called: ANTERIOR SEGMENT DYSGENESIS 5. Identifiers: Orphanet 708, MedGen C0344559, MONDO:0011414, OMIM 604229, HP:0000659.

Allele frequency attached by ClinVar (database versions not stated): gnomAD exomes below 0.00001; ExAC 0.00001.
gnomAD v4.1: 1 of 1,614,050 alleles (0.000062%); highest among the groups gnomAD compares: Admixed American, 0.0017%; no homozygotes.

Submission:

Labcorp Genetics (formerly Invitae), Labcorp
Classification: Uncertain significance for Aniridia 1; Irido-corneo-trabecular dysgenesis. Last evaluated: 2022-03-27. Review status: criteria provided, single submitter. Criteria: Invitae Variant Classification Sherloc (09022015). Collection method: clinical testing. Allele origin: germline.
Comment: In summary, the available evidence is currently insufficient to determine the role of this variant in disease. Therefore, it has been classified as a Variant of Uncertain Significance. Algorithms developed to predict the effect of missense changes on protein structure and function are either unavailable or do not agree on the potential impact of this missense change (SIFT: "Deleterious"; PolyPhen-2: "Probably Damaging"; Align-GVGD: "Class C0"). This variant has not been reported in the literature in individuals affected with PAX6-related conditions. This variant is present in population databases (rs768554144, gnomAD 0.003%). This sequence change replaces valine, which is neutral and non-polar, with isoleucine, which is neutral and non-polar, at codon 30 of the PAX6 protein (p.Val30Ile).